The following is an entry in ClinVar:

ClinVar aggregate classification (germline): Conflicting classifications of pathogenicity. Review status: criteria provided, conflicting classifications (1 of 4 stars). 2 submissions from 2 submitters: Uncertain significance (1); Benign (1). Last evaluated 2025-11-20.

Conditions:
Hereditary cancer-predisposing syndrome. Also called: Neoplastic Syndromes, Hereditary; Tumor predisposition; Hereditary Cancer Syndrome; Hereditary neoplastic syndrome. Identifiers: Orphanet 140162, MedGen C0027672, MeSH D009386, MONDO:0015356.
Retinoblastoma (RB1). Also called: RETINOBLASTOMA, SOMATIC. Identifiers: Orphanet 790, MedGen C0035335, MeSH D012175, MONDO:0008380, OMIM 180200, HP:0009919. Disease mechanism: loss of function. Inheritance: Both sporadic and heritable forms are tested..

Allele frequency attached by ClinVar (database versions not stated): gnomAD exomes 0.00001.
gnomAD v4.1: 20 of 1,613,694 alleles (0.0012%); highest among the groups gnomAD compares: Non-Finnish European, 0.0017%; no homozygotes.

Submissions (2):

Labcorp Genetics (formerly Invitae), Labcorp
Classification: Benign for Retinoblastoma. Last evaluated: 2025-11-20. Review status: criteria provided, single submitter. Criteria: Invitae Variant Classification Sherloc (09022015). Collection method: clinical testing. Allele origin: germline.

Ambry Genetics
Classification: Uncertain significance for Hereditary cancer-predisposing syndrome. Last evaluated: 2024-04-10. Review status: criteria provided, single submitter. Criteria: Ambry Variant Classification Scheme 2023. Collection method: clinical testing. Allele origin: germline.
Comment: The p.I680V variant (also known as c.2038A>G), located in coding exon 20 of the RB1 gene, results from an A to G substitution at nucleotide position 2038. The isoleucine at codon 680 is replaced by valine, an amino acid with highly similar properties. This amino acid position is highly conserved in available vertebrate species. In addition, the in silico prediction for this alteration is inconclusive. Since supporting evidence is limited at this time, the clinical significance of this alteration remains unclear.

NM_000321.3(RB1):c.2038A>G (p.Ile680Val)

Gene: RB1 (RB transcriptional corepressor 1; plus strand). Cytogenetic location: 13q14.2.
Variant type: single nucleotide variant.
Coding change: c.2038A>G on transcript NM_000321.3 (MANE Select); coding-DNA position 2038, A replaced by G.
Protein change: p.Ile680Val; replaces isoleucine 680 with valine.
Molecular consequence: missense variant.
Genome position (GRCh38, 1-based): chr13:48,459,765, A>G. VCF-style: chr13-48459765-A-G. GRCh37 (hg19) VCF-style: chr13-49033901-A-G.
Other names: short protein forms I680V.
Identifiers: ClinVar variation 820535 (VCV000820535.11), dbSNP rs1422900655, ClinGen allele CA388166818.
Genomic context (GRCh38, chr13:48,459,765, plus strand): 5'-CTCCGGCTAAATACACTTTGTGAACGCCTTCTGTCTGAGCACCCAGAATTAGAACATATC[A>G]TCTGGACCCTTTTCCAGCACACCCTGCAGAATGAGTATGAACTCATGAGAGACAGGCATT-3'
Protein context (NP_000312.2, residues 670-690): LSEHPELEHI[Ile680Val]WTLFQHTLQN